The following is an entry in ClinVar:

NM_004360.5(CDH1):c.2287G>A (p.Glu763Lys)

Gene: CDH1 (cadherin 1; plus strand). Cytogenetic location: 16q22.1.
Variant type: single nucleotide variant.
Coding change: c.2287G>A on transcript NM_004360.5 (MANE Select); coding-DNA position 2287, G replaced by A.
Protein change: p.Glu763Lys; replaces glutamic acid 763 with lysine.
Molecular consequence: missense variant.
Genome position (GRCh38, 1-based): chr16:68,828,296, G>A. VCF-style: chr16-68828296-G-A. GRCh37 (hg19) VCF-style: chr16-68862199-G-A.
Other names: c.2104G>A, p.Glu702Lys (NM_001317184.2); c.739G>A, p.Glu247Lys (NM_001317185.2); c.322G>A, p.Glu108Lys (NM_001317186.2); short protein forms E247K, E763K, E108K, E702K.
Identifiers: ClinVar variation 821035 (VCV000821035.4), dbSNP rs587780787, ClinGen allele CA396470094.

ClinVar aggregate classification (germline): Uncertain significance (1 of 4 stars; one submission).

Conditions:
Hereditary cancer-predisposing syndrome. Also called: Neoplastic Syndromes, Hereditary; Tumor predisposition; Hereditary Cancer Syndrome; Hereditary neoplastic syndrome. Identifiers: Orphanet 140162, MedGen C0027672, MeSH D009386, MONDO:0015356.

Submission:

Ambry Genetics
Classification: Uncertain significance for Hereditary cancer-predisposing syndrome. Last evaluated: 2019-01-03. Review status: criteria provided, single submitter. Criteria: Ambry Variant Classification Scheme 2023. Collection method: clinical testing. Allele origin: germline.
Comment: The p.E763K variant (also known as c.2287G>A), located in coding exon 14 of the CDH1 gene, results from a G to A substitution at nucleotide position 2287. The glutamic acid at codon 763 is replaced by lysine, an amino acid with similar properties. This amino acid position is highly conserved through mammals but not in all available vertebrate species. In addition, the in silico prediction for this alteration is inconclusive. Since supporting evidence is limited at this time, the clinical significance of this alteration remains unclear.